The following is an entry in ClinVar:

NM_000532.5(PCCB):c.1538_1542del (p.Ala513fs)

Gene: PCCB (propionyl-CoA carboxylase subunit beta; plus strand). Cytogenetic location: 3q22.3.
Variant type: Deletion.
Coding change: c.1538_1542del on transcript NM_000532.5 (MANE Select); coding-DNA positions 1538 to 1542, 5 bases deleted (CCCGA; older notation c.1538_1542delCCCGA).
Protein change: p.Ala513fs; shifts the reading frame from alanine 513.
Molecular consequence: frameshift variant.
Genome position (GRCh38, 1-based): chr3:136,329,944-136,329,948, CCCGA deleted. VCF-style (leftmost placement, unchanged base first): chr3-136329943-GCCCGA-G. GRCh37 (hg19) VCF-style: chr3-136048785-GCCCGA-G.
Other names: c.1598_1602del, p.Ala533fs (NM_001178014.2); short protein forms A513fs, A533fs.
Identifiers: ClinVar variation 4814326 (VCV004814326.1).

ClinVar aggregate classification (germline): Likely pathogenic (1 of 4 stars; one submission).

Conditions:
Propionic acidemia (PROP). Also called: GLYCINEMIA, KETOTIC; HYPERGLYCINEMIA WITH KETOACIDOSIS AND LEUKOPENIA; KETOTIC HYPERGLYCINEMIA. Identifiers: Orphanet 35, MedGen C0268579, MONDO:0011628, OMIM 606054, HP:0003571.

Submission:

Natera, Inc.
Classification: Likely pathogenic for Propionic acidemia. Last evaluated: 2025-12-01. Review status: criteria provided, single submitter. Criteria: Natera Variant Classification Schema (03/2026). Collection method: clinical testing. Allele origin: germline.
Comment: The c.1538_1542del variant in PCCB is a frameshift variant predicted to shift the reading frame beginning at codon 513 and leads to a stop codon 4 codons downstream. This variant is expected to result in nonsense mediated decay, truncation, or a dysfunctional protein product. This variant is rare in the general population with a frequency below the threshold expected for the associated phenotype(s). Given the available evidence, this variant is classified as Likely Pathogenic.